The following is an entry in ClinVar:

NM_000098.3(CPT2):c.152G>T (p.Arg51Met)

Genes: CPT2 (carnitine palmitoyltransferase 2; plus strand), LOC129930561 (ATAC-STARR-seq lymphoblastoid silent region 902; plus strand). Cytogenetic location: 1p32.3.
Variant type: single nucleotide variant.
Coding change: c.152G>T on transcript NM_000098.3 (MANE Select); coding-DNA position 152, G replaced by T.
Protein change: p.Arg51Met; replaces arginine 51 with methionine.
Molecular consequence: missense variant.
Genome position (GRCh38, 1-based): chr1:53,197,095, G>T. VCF-style: chr1-53197095-G-T. GRCh37 (hg19) VCF-style: chr1-53662767-G-T.
Other names: c.152G>T, p.Arg51Met (NM_001330589.2); short protein forms R51M.
Identifiers: ClinVar variation 1950575 (VCV001950575.5), dbSNP rs1427735577, ClinGen allele CA340388856.

ClinVar aggregate classification (germline): Uncertain significance (1 of 4 stars; one submission).

Conditions:
Carnitine palmitoyltransferase II deficiency. Also called: Carnitine Palmitoyltransferase 2 Deficiency. Identifiers: Orphanet 157, MedGen C0342790, MONDO:0015515.

Submission:

Labcorp Genetics (formerly Invitae), Labcorp
Classification: Uncertain significance for Carnitine palmitoyltransferase II deficiency. Last evaluated: 2021-12-19. Review status: criteria provided, single submitter. Criteria: Invitae Variant Classification Sherloc (09022015). Collection method: clinical testing. Allele origin: germline.
Comment: In summary, the available evidence is currently insufficient to determine the role of this variant in disease. Therefore, it has been classified as a Variant of Uncertain Significance. Variants that disrupt the consensus splice site are a relatively common cause of aberrant splicing (PMID: 17576681, 9536098). Algorithms developed to predict the effect of sequence changes on RNA splicing suggest that this variant may disrupt the consensus splice site. Algorithms developed to predict the effect of missense changes on protein structure and function are either unavailable or do not agree on the potential impact of this missense change (SIFT: "Deleterious"; PolyPhen-2: "Possibly Damaging"; Align-GVGD: "Class C0"). This variant has not been reported in the literature in individuals affected with CPT2-related conditions. This variant is not present in population databases (gnomAD no frequency). This sequence change replaces arginine, which is basic and polar, with methionine, which is neutral and non-polar, at codon 51 of the CPT2 protein (p.Arg51Met). This variant also falls at the last nucleotide of exon 1, which is part of the consensus splice site for this exon.

Literature cited by the submitters: PubMed 17576681; PubMed 9536098.